The following is an entry in ClinVar:

ClinVar aggregate classification (germline): Likely pathogenic (1 of 4 stars; one submission).

Conditions:
Hereditary cancer-predisposing syndrome. Also called: Neoplastic Syndromes, Hereditary; Tumor predisposition; Hereditary Cancer Syndrome; Hereditary neoplastic syndrome. Identifiers: Orphanet 140162, MedGen C0027672, MeSH D009386, MONDO:0015356.

Allele frequency attached by ClinVar (database versions not stated): gnomAD exomes below 0.00001.
gnomAD v4.1: 1 of 1,612,032 alleles (0.000062%); highest among the groups gnomAD compares: Non-Finnish European, 0.000085%; no homozygotes.

Submission:

Ambry Genetics
Classification: Likely pathogenic for Hereditary cancer-predisposing syndrome. Last evaluated: 2015-05-11. Review status: criteria provided, single submitter. Criteria: Ambry Autosomal Dominant and X-Linked criteria (10/2015). Collection method: clinical testing. Allele origin: germline. Observed: 1 variant allele.
Comment: The p.Y114N variant (also known as c.340T>A), located in coding exon 4 of the SDHD gene, results from a T to A substitution at nucleotide position 340. The tyrosine at codon 114 is replaced by asparagine, an amino acid with dissimilar properties. Another amino acid change at this codon (p.Y114C) has been identified in numerous PGL families to date and established as a founder mutation of Italian origin (Schiavi F et al. J Clin Endocrinol. Merab 2012;97(4):637-41). This amino acid position is highly conserved in available vertebrate species. In addition, the p.Y114N alteration is predicted to be probably damaging and deleterious by PolyPhen and SIFT in silico analyses, respectively. Based on the majority of available evidence to date, this variant is likely to be pathogenic.

NM_003002.4(SDHD):c.340T>A (p.Tyr114Asn)

Gene: SDHD (succinate dehydrogenase complex subunit D; plus strand). Cytogenetic location: 11q23.1.
Variant type: single nucleotide variant.
Coding change: c.340T>A on transcript NM_003002.4 (MANE Select); coding-DNA position 340, T replaced by A.
Protein change: p.Tyr114Asn; replaces tyrosine 114 with asparagine.
Molecular consequence: missense variant. On other transcripts: synonymous variant (1), 3 prime UTR variant (1), non-coding transcript variant (1).
Genome position (GRCh38, 1-based): chr11:112,094,830, T>A. VCF-style: chr11-112094830-T-A. GRCh37 (hg19) VCF-style: chr11-111965554-T-A.
Other names: c.195T>A, p.Thr65= (NM_001276503.2); c.223T>A, p.Tyr75Asn (NM_001276504.2); c.*38T>A (NM_001276506.2); short protein forms Y114N, Y75N.
Identifiers: ClinVar variation 231638 (VCV000231638.3), dbSNP rs876659276, ClinGen allele CA10579347.
Genomic context (GRCh38, chr11:112,094,830, plus strand): 5'-TTTTATTGATGTTATGATTTTTTCTTTTTCTTTAGGGGCCTTGGACAAGTTGTTACTGAC[T>A]ATGTTCATGGGGATGCCTTGCAGAAAGCTGCCAAGGCAGGGCTTTTGGCACTTTCAGCTT-3'
Protein context (NP_002993.1, residues 104-124): HWGLGQVVTD[Tyr114Asn]VHGDALQKAA